The following is an entry in ClinVar:

NM_001205293.3(CACNA1E):c.1405A>T (p.Ile469Phe)

Gene: CACNA1E (calcium voltage-gated channel subunit alpha1 E; plus strand). Cytogenetic location: 1q25.3.
Variant type: single nucleotide variant.
Coding change: c.1405A>T on transcript NM_001205293.3 (MANE Select); coding-DNA position 1405, A replaced by T.
Protein change: p.Ile469Phe; replaces isoleucine 469 with phenylalanine.
Molecular consequence: missense variant.
Genome position (GRCh38, 1-based): chr1:181,717,182, A>T. VCF-style: chr1-181717182-A-T. GRCh37 (hg19) VCF-style: chr1-181686318-A-T.
Other names: c.1405A>T, p.Ile469Phe (NM_000721.4, NM_001205294.2); short protein forms I469F.
Identifiers: ClinVar variation 1714257 (VCV001714257.5), dbSNP rs751268343, ClinGen allele CA1275116.

ClinVar aggregate classification (germline): Uncertain significance (1 of 4 stars; one submission).

Allele frequency attached by ClinVar (database versions not stated): ExAC 0.00001.
gnomAD v4.1: 2 of 1,613,954 alleles (0.00012%); highest among the groups gnomAD compares: Non-Finnish European, 0.00017%; no homozygotes.

Submission:

Labcorp Genetics (formerly Invitae), Labcorp
Classification: Uncertain significance. Last evaluated: 2022-07-15. Review status: criteria provided, single submitter. Criteria: Invitae Variant Classification Sherloc (09022015). Collection method: clinical testing. Allele origin: germline.
Comment: In summary, the available evidence is currently insufficient to determine the role of this variant in disease. Therefore, it has been classified as a Variant of Uncertain Significance. Advanced modeling of protein sequence and biophysical properties (such as structural, functional, and spatial information, amino acid conservation, physicochemical variation, residue mobility, and thermodynamic stability) performed at Invitae indicates that this missense variant is not expected to disrupt CACNA1E protein function. This variant has not been reported in the literature in individuals affected with CACNA1E-related conditions. This variant is present in population databases (rs751268343, gnomAD 0.0009%). This sequence change replaces isoleucine, which is neutral and non-polar, with phenylalanine, which is neutral and non-polar, at codon 469 of the CACNA1E protein (p.Ile469Phe).